The following is an entry in ClinVar:

ClinVar aggregate classification (germline): Uncertain significance (1 of 4 stars; one submission).

Submission:

GeneDx
Classification: Uncertain significance. Last evaluated: 2024-03-16. Review status: criteria provided, single submitter. Criteria: GeneDx Variant Classification Process June 2021. Collection method: clinical testing. Allele origin: germline. Affected: yes.
Comment: Not observed at significant frequency in large population cohorts (gnomAD); In silico analysis supports that this missense variant has a deleterious effect on protein structure/function; Has not been previously published as pathogenic or benign to our knowledge

NM_153717.3(EVC):c.1113G>T (p.Arg371Ser)

Gene: EVC (EvC ciliary complex subunit 1; plus strand). Cytogenetic location: 4p16.2.
Variant type: single nucleotide variant.
Coding change: c.1113G>T on transcript NM_153717.3 (MANE Select); coding-DNA position 1113, G replaced by T.
Protein change: p.Arg371Ser; replaces arginine 371 with serine.
Molecular consequence: missense variant.
Genome position (GRCh38, 1-based): chr4:5,752,850, G>T. VCF-style: chr4-5752850-G-T. GRCh37 (hg19) VCF-style: chr4-5754577-G-T.
Other names: c.1113G>T, p.Arg371Ser (NM_001306090.2, NM_001306092.2); short protein forms R371S.
Identifiers: ClinVar variation 3373675 (VCV003373675.1).